The following is an entry in ClinVar:

ClinVar aggregate classification (germline): Uncertain significance. Review status: criteria provided, multiple submitters, no conflicts (2 of 4 stars). 3 submissions from 3 submitters: Uncertain significance (3). Last evaluated 2024-07-27.

Conditions:
Inborn genetic diseases. Identifiers: MedGen C0950123, MeSH D030342.
Spastic paraplegia. Identifiers: MedGen C0037772, HP:0001258.

Allele frequency attached by ClinVar (database versions not stated): TOPMed 0.00005.
gnomAD v4.1: 55 of 1,613,904 alleles (0.0034%); highest among the groups gnomAD compares: South Asian, 0.019%; no homozygotes.

Submissions (3):

Ambry Genetics
Classification: Uncertain significance for Inborn genetic diseases. Last evaluated: 2024-07-27. Review status: criteria provided, single submitter. Criteria: Ambry Variant Classification Scheme 2023. Collection method: clinical testing. Allele origin: germline.

Blueprint Genetics
Classification: Uncertain significance. Last evaluated: 2022-08-08. Review status: criteria provided, single submitter. Criteria: ACMG Guidelines, 2015. Collection method: clinical testing. Allele origin: germline.

Labcorp Genetics (formerly Invitae), Labcorp
Classification: Uncertain significance for Spastic paraplegia. Last evaluated: 2021-12-01. Review status: criteria provided, single submitter. Criteria: Invitae Variant Classification Sherloc (09022015). Collection method: clinical testing. Allele origin: germline.
Comment: This sequence change replaces arginine, which is basic and polar, with histidine, which is basic and polar, at codon 747 of the GBA2 protein (p.Arg747His). This variant is present in population databases (rs62637647, gnomAD 0.02%). This variant has not been reported in the literature in individuals affected with GBA2-related conditions. Algorithms developed to predict the effect of missense changes on protein structure and function (SIFT, PolyPhen-2, Align-GVGD) all suggest that this variant is likely to be tolerated. In summary, the available evidence is currently insufficient to determine the role of this variant in disease. Therefore, it has been classified as a Variant of Uncertain Significance.

NM_020944.3(GBA2):c.2240G>A (p.Arg747His)

Gene: GBA2 (glucosylceramidase beta 2; minus strand). Cytogenetic location: 9p13.3.
Variant type: single nucleotide variant.
Coding change: c.2240G>A on transcript NM_020944.3 (MANE Select); coding-DNA position 2240, G replaced by A.
Protein change: p.Arg747His; replaces arginine 747 with histidine.
Molecular consequence: missense variant.
Genome position (GRCh38, 1-based): chr9:35,738,110, C>T on the plus strand (G>A on the coding strand, the complement: GBA2 is on the minus strand). VCF-style: chr9-35738110-C-T. GRCh37 (hg19) VCF-style: chr9-35738107-C-T.
Other names: c.2240G>A, p.Arg747His (NM_001330660.2); c.2240G>A (NM_020944.2); short protein forms R747H.
Identifiers: ClinVar variation 2160325 (VCV002160325.3), dbSNP rs62637647, ClinGen allele CA5050152.